The following is an entry in ClinVar:

NM_000344.4(SMN1):c.837T>C (p.Gly279=)

Gene: SMN1 (survival of motor neuron 1, telomeric). Cytogenetic location: 5q13.2.
Variant type: single nucleotide variant.
Coding change: c.837T>C on transcript NM_000344.4 (MANE Select); coding-DNA position 837, T replaced by C.
Protein change: p.Gly279=; no amino-acid change (glycine 279 retained).
Molecular consequence: synonymous variant. On other transcripts: intron variant (1).
Genome position (GRCh38, 1-based): chr5:70,951,943, T>C. VCF-style: chr5-70951943-T-C. GRCh37 (hg19) VCF-style: chr5-70247770-T-C.
Other names: c.741T>C, p.Gly247= (NM_022874.2); c.835-496T>C (NM_001297715.1).
Identifiers: ClinVar variation 633424 (VCV000633424.2), dbSNP rs1561503108, ClinGen allele CA444975672.

ClinVar aggregate classification (germline): Uncertain significance (1 of 4 stars; one submission).

Allele frequency attached by ClinVar (database versions not stated): gnomAD exomes below 0.00001.
gnomAD v4.1: 2 of 1,613,034 alleles (0.00012%); highest among the groups gnomAD compares: South Asian, 0.0022%; no homozygotes.

Submission:

Women's Health and Genetics/Laboratory Corporation of America, LabCorp
Classification: Uncertain significance. Last evaluated: 2019-08-30. Review status: criteria provided, single submitter. Criteria: LabCorp Variant Classification Summary - May 2015. Collection method: clinical testing. Allele origin: germline.
Comment: Variant summary: SMN1 c.837T>C (p.Gly279Gly) alters a non-conserved nucleotide located close to a canonical splice site and therefore could affect mRNA splicing, leading to a significantly altered protein sequence. 5/5 computational tools via ALAMUT predict no significant impact on normal splicing and no significant impact on the creation or disruption of exonic splice elements in the SMN1 gene. Another in-silico tool for assessing the pathogenicity of synonymous variants, namely TraP (Transcript-inferred Pathogenicity, Gelfman_2017) predicts this variant to be benign. However, these predictions have yet to be confirmed by functional studies. The variant was absent in 248266 control chromosomes (gnomAD). The available data on variant occurrences in the general population are insufficient to allow any conclusion about variant significance. To our knowledge, no occurrence of c.837T>C in individuals affected with Spinal Muscular Atrophy and no experimental evidence demonstrating its impact on protein function have been reported. No clinical diagnostic laboratories have submitted clinical-significance assessments for this variant to ClinVar after 2014. Based on the evidence outlined above, the variant was classified as uncertain significance.